The following is an entry in ClinVar:

NM_032242.4(PLXNA1):c.2235C>T (p.Leu745=)

Gene: PLXNA1 (plexin A1; plus strand). Cytogenetic location: 3q21.3.
Variant type: single nucleotide variant.
Coding change: c.2235C>T on transcript NM_032242.4 (MANE Select); coding-DNA position 2235, C replaced by T.
Protein change: p.Leu745=; no amino-acid change (leucine 745 retained).
Molecular consequence: synonymous variant.
Genome position (GRCh38, 1-based): chr3:127,012,080, C>T. VCF-style: chr3-127012080-C-T. GRCh37 (hg19) VCF-style: chr3-126730923-C-T.
Identifiers: ClinVar variation 4998361 (VCV004998361.1).

ClinVar aggregate classification (germline): Likely benign (1 of 4 stars; one submission).

Conditions:
PLXNA1-related disorder. Also called: PLXNA1-related condition.

gnomAD v4.1: 2 of 1,613,792 alleles (0.00012%); highest among the groups gnomAD compares: Admixed American, 0.0017%; no homozygotes.

Submission:

PreventionGenetics, part of Exact Sciences
Classification: Likely benign for PLXNA1-related condition. Last evaluated: 2024-12-05. Review status: criteria provided, single submitter. Criteria: ACMG Guidelines, 2015. Collection method: clinical testing. Allele origin: germline.
Comment: This variant is classified as likely benign based on ACMG/AMP sequence variant interpretation guidelines (Richards et al. 2015 PMID: 25741868, with internal and published modifications).